The following is an entry in ClinVar:

ClinVar aggregate classification (germline): Benign/Likely benign. Review status: criteria provided, multiple submitters, no conflicts (2 of 4 stars). 2 submissions from 2 submitters: Benign (1); Likely benign (1). Last evaluated 2025-12-23.

Conditions:
NBAS-related disorder. Also called: NBAS-related condition.

Allele frequency attached by ClinVar (database versions not stated): ExAC 0.00013; 1000 Genomes Project 0.00020; 1000 Genomes Project 30x 0.00031; gnomAD 0.00032 and 0.00034; TOPMed 0.00034; ESP Exome Variant Server 0.00046; gnomAD exomes 0.00002 and 0.00012.
gnomAD v4.1: 78 of 1,614,170 alleles (0.0048%); highest among the groups gnomAD compares: African/African-American, 0.097%; no homozygotes.

Submissions (2):

Labcorp Genetics (formerly Invitae), Labcorp
Classification: Benign. Last evaluated: 2025-12-23. Review status: criteria provided, single submitter. Criteria: Invitae Variant Classification Sherloc (09022015). Collection method: clinical testing. Allele origin: germline.

PreventionGenetics, part of Exact Sciences
Classification: Likely benign for NBAS-related condition. Last evaluated: 2024-12-06. Review status: criteria provided, single submitter. Criteria: ACMG Guidelines, 2015. Collection method: clinical testing. Allele origin: germline.
Comment: This variant is classified as likely benign based on ACMG/AMP sequence variant interpretation guidelines (Richards et al. 2015 PMID: 25741868, with internal and published modifications).

NM_015909.4(NBAS):c.4741C>A (p.Gln1581Lys)

Gene: NBAS (NBAS subunit of NRZ tethering complex; minus strand). Cytogenetic location: 2p24.3.
Variant type: single nucleotide variant.
Coding change: c.4741C>A on transcript NM_015909.4 (MANE Select); coding-DNA position 4741, C replaced by A.
Protein change: p.Gln1581Lys; replaces glutamine 1581 with lysine.
Molecular consequence: missense variant. On other transcripts: non-coding transcript variant (1).
Genome position (GRCh38, 1-based): chr2:15,308,272, G>T on the plus strand (C>A on the coding strand, the complement: NBAS is on the minus strand). VCF-style: chr2-15308272-G-T. GRCh37 (hg19) VCF-style: chr2-15448396-G-T.
Other names: c.4741C>A (NM_015909.3); short protein forms Q1581K.
Identifiers: ClinVar variation 1056031 (VCV001056031.8), dbSNP rs149825971, ClinGen allele CA1535523.